The following is an entry in ClinVar:

ClinVar aggregate classification (germline): Uncertain significance. Review status: criteria provided, multiple submitters, no conflicts (2 of 4 stars). 2 submissions from 2 submitters: Uncertain significance (2). Last evaluated 2023-10-19.

Conditions:
Cognitive impairment - coarse facies - heart defects - obesity - pulmonary involvement - short stature - skeletal dysplasia syndrome. Also called: AFF4-Related CHOPS Syndrome; COGNITIVE IMPAIRMENT, COARSE FACIES, HEART DEFECTS, OBESITY, PULMONARY INVOLVEMENT, SHORT STATURE, AND SKELETAL DYSPLASIA; Chops syndrome. Identifiers: Orphanet 444077, MedGen C4085597, MONDO:0014609, OMIM 616368.
Inborn genetic diseases. Identifiers: MedGen C0950123, MeSH D030342.

Allele frequency attached by ClinVar (database versions not stated): gnomAD exomes 0.00001; TOPMed below 0.00001.
gnomAD v4.1: 4 of 1,614,108 alleles (0.00025%); highest among the groups gnomAD compares: Non-Finnish European, 0.00034%; no homozygotes.

Submissions (2):

Labcorp Genetics (formerly Invitae), Labcorp
Classification: Uncertain significance for Cognitive impairment - coarse facies - heart defects - obesity - pulmonary involvement - short stature - skeletal dysplasia syndrome. Last evaluated: 2023-10-19. Review status: criteria provided, single submitter. Criteria: Invitae Variant Classification Sherloc (09022015). Collection method: clinical testing. Allele origin: germline.
Comment: This sequence change replaces serine, which is neutral and polar, with arginine, which is basic and polar, at codon 106 of the AFF4 protein (p.Ser106Arg). This variant is not present in population databases (gnomAD no frequency). This variant has not been reported in the literature in individuals affected with AFF4-related conditions. ClinVar contains an entry for this variant (Variation ID: 1449609). Advanced modeling of protein sequence and biophysical properties (such as structural, functional, and spatial information, amino acid conservation, physicochemical variation, residue mobility, and thermodynamic stability) performed at Invitae indicates that this missense variant is expected to disrupt AFF4 protein function. In summary, the available evidence is currently insufficient to determine the role of this variant in disease. Therefore, it has been classified as a Variant of Uncertain Significance.

Ambry Genetics
Classification: Uncertain significance for Inborn genetic diseases. Last evaluated: 2023-04-05. Review status: criteria provided, single submitter. Criteria: Ambry Variant Classification Scheme 2023. Collection method: clinical testing. Allele origin: germline.

NM_014423.4(AFF4):c.318C>A (p.Ser106Arg)

Gene: AFF4 (ALF transcription elongation factor 4; minus strand). Cytogenetic location: 5q31.1.
Variant type: single nucleotide variant.
Coding change: c.318C>A on transcript NM_014423.4 (MANE Select); coding-DNA position 318, C replaced by A.
Protein change: p.Ser106Arg; replaces serine 106 with arginine.
Molecular consequence: missense variant.
Genome position (GRCh38, 1-based): chr5:132,934,747, G>T on the plus strand (C>A on the coding strand, the complement: AFF4 is on the minus strand). VCF-style: chr5-132934747-G-T. GRCh37 (hg19) VCF-style: chr5-132270439-G-T.
Other names: c.318C>A (NM_014423.3); short protein forms S106R.
Identifiers: ClinVar variation 1449609 (VCV001449609.7), dbSNP rs1761386475, ClinGen allele CA360961959.